The following is an entry in ClinVar:

NM_004369.4(COL6A3):c.7702C>T (p.Leu2568=)

Gene: COL6A3 (collagen type VI alpha 3 chain; minus strand). Cytogenetic location: 2q37.3.
Variant type: single nucleotide variant.
Coding change: c.7702C>T on transcript NM_004369.4 (MANE Select); coding-DNA position 7702, C replaced by T.
Protein change: p.Leu2568=; no amino-acid change (leucine 2568 retained).
Molecular consequence: synonymous variant.
Genome position (GRCh38, 1-based): chr2:237,342,128, G>A on the plus strand (C>T on the coding strand, the complement: COL6A3 is on the minus strand). VCF-style: chr2-237342128-G-A. GRCh37 (hg19) VCF-style: chr2-238250771-G-A.
Other names: c.5881C>T, p.Leu1961= (NM_057166.5); c.7084C>T, p.Leu2362= (NM_057167.4).
Identifiers: ClinVar variation 499967 (VCV000499967.15), dbSNP rs201479636, ClinGen allele CA2187724.

ClinVar aggregate classification (germline): Conflicting classifications of pathogenicity. Review status: criteria provided, conflicting classifications (1 of 4 stars). 3 submissions from 3 submitters: Uncertain significance (1); Benign (1); Likely benign (1). Last evaluated 2025-12-03.

Conditions:
Bethlem myopathy 1A. Also called: MYOPATHY, BENIGN CONGENITAL, WITH CONTRACTURES; Bethlem myopathy 1; Bethlem Muscular Dystrophy. Identifiers: Orphanet 610, MedGen CN029274, MONDO:0024530, OMIM 158810.

Allele frequency attached by ClinVar (database versions not stated): gnomAD exomes 0.00004 and 0.00025; gnomAD 0.00009 and 0.00011; TOPMed 0.00013; ExAC 0.00024; 1000 Genomes Project 0.00080; 1000 Genomes Project 30x 0.00094.
gnomAD v4.1: 82 of 1,614,222 alleles (0.0051%); highest among the groups gnomAD compares: East Asian, 0.17%; no homozygotes.

Submissions (3):

Labcorp Genetics (formerly Invitae), Labcorp
Classification: Benign for Bethlem myopathy 1A. Last evaluated: 2025-12-03. Review status: criteria provided, single submitter. Criteria: Invitae Variant Classification Sherloc (09022015). Collection method: clinical testing. Allele origin: germline.

GeneDx
Classification: Likely benign. Last evaluated: 2017-12-27. Review status: criteria provided, single submitter. Criteria: GeneDx Variant Classification (06012015). Collection method: clinical testing. Allele origin: germline. Affected: yes.
Comment: This variant is considered likely benign or benign based on one or more of the following criteria: it is a conservative change, it occurs at a poorly conserved position in the protein, it is predicted to be benign by multiple in silico algorithms, and/or has population frequency not consistent with disease.

Eurofins Ntd Llc (ga)
Classification: Uncertain significance. Last evaluated: 2017-11-10. Review status: criteria provided, single submitter. Criteria: EGL Classification Definitions 2015. Collection method: clinical testing. Allele origin: germline. Observed: 2 variant alleles, 2 heterozygotes.